The following is an entry in ClinVar:

NM_001291088.2(WDR87):c.8521C>T (p.Arg2841Trp)

Gene: WDR87 (WD repeat domain 87; minus strand). Cytogenetic location: 19q13.13.
Variant type: single nucleotide variant.
Coding change: c.8521C>T on transcript NM_001291088.2 (MANE Select); coding-DNA position 8521, C replaced by T.
Protein change: p.Arg2841Trp; replaces arginine 2841 with tryptophan.
Molecular consequence: missense variant.
Genome position (GRCh38, 1-based): chr19:37,885,150, G>A on the plus strand (C>T on the coding strand, the complement: WDR87 is on the minus strand). VCF-style: chr19-37885150-G-A. GRCh37 (hg19) VCF-style: chr19-38375790-G-A.
Other names: c.8404C>T, p.Arg2802Trp (NM_031951.5); short protein forms R2841W, R2802W.
Identifiers: ClinVar variation 2713264 (VCV002713264.3), dbSNP rs531892233, ClinGen allele CA9408358.
Genomic context (GRCh38, chr19:37,885,150, plus strand): 5'-GGAACTCCTGAGGACTTCTAGGAGTATGAGAACTGCCACAAAACAGGCAGCAGAACAGCC[G>A]TTCCCCGGGAACTAGCTCTGTGGCTTTTAGGGCCTCTTCGTAGATGATCTCTTGGGGTTG-3'
Protein context (NP_001278017.1, residues 2831-2851): LKATELVPGE[Arg2841Trp]LFCCLFCGSS

ClinVar aggregate classification (germline): Uncertain significance (1 of 4 stars; one submission).

Allele frequency attached by ClinVar (database versions not stated): gnomAD 0.00003; 1000 Genomes Project 30x 0.00016; 1000 Genomes Project 0.00020.
gnomAD v4.1: 70 of 1,464,044 alleles (0.0048%); highest among the groups gnomAD compares: South Asian, 0.076%; no homozygotes.

Submission:

Labcorp Genetics (formerly Invitae), Labcorp
Classification: Uncertain significance. Last evaluated: 2024-08-21. Review status: criteria provided, single submitter. Criteria: Invitae Variant Classification Sherloc (09022015). Collection method: clinical testing. Allele origin: germline.
Comment: This sequence change replaces arginine, which is basic and polar, with tryptophan, which is neutral and slightly polar, at codon 2802 of the WDR87 protein (p.Arg2802Trp). This variant is present in population databases (rs531892233, gnomAD 0.2%), and has an allele count higher than expected for a pathogenic variant. This variant has not been reported in the literature in individuals affected with WDR87-related conditions. Experimental studies and prediction algorithms are not available or were not evaluated, and the functional significance of this variant is currently unknown. In summary, the available evidence is currently insufficient to determine the role of this variant in disease. Therefore, it has been classified as a Variant of Uncertain Significance.